The following is an entry in ClinVar:

ClinVar aggregate classification (germline): Likely benign (0 of 4 stars; one submission).

Conditions:
FTCD-related disorder. Also called: FTCD-related condition.

Allele frequency attached by ClinVar (database versions not stated): ExAC 0.00042.
gnomAD v4.1: 216 of 1,602,606 alleles (0.013%); highest among the groups gnomAD compares: South Asian, 0.19%; 1 homozygote.

Submission:

PreventionGenetics, part of Exact Sciences
Classification: Likely benign for FTCD-related condition. Last evaluated: 2019-02-19. Review status: no assertion criteria provided. Collection method: clinical testing. Allele origin: germline.
Comment: This variant is classified as likely benign based on ACMG/AMP sequence variant interpretation guidelines (Richards et al. 2015 PMID: 25741868, with internal and published modifications).

NM_206965.2(FTCD):c.*80C>G

Gene: FTCD (formimidoyltransferase cyclodeaminase; minus strand). Cytogenetic location: 21q22.3.
Variant type: single nucleotide variant.
Coding change: c.*80C>G on transcript NM_206965.2 (MANE Select); 80 bases downstream of the stop codon, C replaced by G.
Molecular consequence: 3 prime UTR variant. On other transcripts: intron variant (2).
Genome position (GRCh38, 1-based): chr21:46,136,907, G>C on the plus strand (C>G on the coding strand, the complement: FTCD is on the minus strand). VCF-style: chr21-46136907-G-C. GRCh37 (hg19) VCF-style: chr21-47556821-G-C.
Other names: c.1678+8C>G (NM_001320412.2); c.*2+78C>G (NM_006657.3).
Identifiers: ClinVar variation 3038708 (VCV003038708.2), dbSNP rs555216993, ClinGen allele CA10073264.